The following is an entry in ClinVar:

NC_000013.10:g.(?_32889644)_(32890665_32893213)del

Gene: BRCA2 (BRCA2 DNA repair associated; plus strand). Cytogenetic location: 13q13.1.
Variant type: Deletion.
Identifiers: ClinVar variation 3339662 (VCV003339662.1).

ClinVar aggregate classification (germline): Pathogenic (1 of 4 stars; one submission).

Conditions:
Hereditary breast ovarian cancer syndrome. Also called: Hereditary breast and ovarian cancer; Hereditary breast and ovarian cancer syndrome (HBOC); Hereditary breast and ovarian cancer syndrome; Breast and ovarian cancer; Hereditary breast and/or ovarian cancer syndrome; BRCA1- and BRCA2-Associated Hereditary Breast and Ovarian Cancer. Identifiers: Orphanet 145, MedGen C0677776, MeSH D061325, MONDO:0003582. Disease mechanism: loss of function.

Submission:

Women's Health and Genetics/Laboratory Corporation of America, LabCorp
Classification: Pathogenic for Hereditary breast ovarian cancer syndrome. Last evaluated: 2024-06-10. Review status: criteria provided, single submitter. Criteria: LabCorp Variant Classification Summary - May 2015. Collection method: clinical testing. Allele origin: germline.
Comment: Variant summary: The variant involves the deletion of exons 1-2 in the BRCA2 gene. The exact breakpoint at the 5' end of this variant is unknown, therefore this deletion may extend upstream of the annotated region of this gene. Although the exact breakpoints of this deletion are not known, it is predicted to remove the initiation codon and result in an absence of protein or a truncation of the encoded protein due to translation initiation at a downstream site. A presumed nomenclature of c.(?_-200)_(67+1_68-1)del has been designated for the purposes of this classification. The variant was absent in 21694 control chromosomes (gnomAD). c.(?_-200)_(67+1_68-1)del has been reported in the literature in multiple individuals affected with Hereditary Breast And Ovarian Cancer Syndrome (e.g. Bunyan_2004, Woodward_2005, Evans_2008, Jackson_2014, Rebbeck_2018). These data indicate that the variant is very likely to be associated with disease. The following publications have been ascertained in the context of this evaluation (PMID: 15863663, 17636422, 24522996, 15475941, 29446198). ClinVar contains an entry for this variant (Variation ID: 981959). Based on the evidence outlined above, the variant was classified as pathogenic.

Literature cited by the submitters: PubMed 17636422; PubMed 15475941; PubMed 15863663; PubMed 24522996; PubMed 29446198.